The following is an entry in ClinVar:

ClinVar aggregate classification (germline): Uncertain significance. Review status: criteria provided, multiple submitters, no conflicts (2 of 4 stars). 2 submissions from 2 submitters: Uncertain significance (2). Last evaluated 2025-06-16.

Conditions:
Immunodeficiency, common variable, 12 (CVID12). Also called: NFKB1 DEFICIENCY; IMMUNODEFICIENCY, COMMON VARIABLE, 12, WITH AUTOIMMUNITY. Identifiers: Orphanet 1572, Orphanet 696874, MedGen C4225277, MONDO:0014697, OMIM 616576.

Submissions (2):

Victorian Clinical Genetics Services, Murdoch Childrens Research Institute
Classification: Uncertain significance for Immunodeficiency, common variable, 12. Last evaluated: 2025-06-16. Review status: criteria provided, single submitter. Criteria: ACMG Guidelines, 2015. Collection method: clinical testing. Allele origin: germline. Affected: yes.
Comment: This variant is classified as VUS-3A. Evidence in support of pathogenic classification: Variant is absent from gnomAD (v2, v3 and v4); Variant is located in the well-established Rel homology DNA binding domain (RHD). This residue has been proven to be involved in DNA binding (PMID: 9383370). Additional information: Variant is predicted to result in a missense amino acid change from lysine to arginine; This variant is heterozygous; This gene is associated with autosomal dominant disease; Previous evidence of pathogenicity for this variant is inconclusive. This variant has been classified as a VUS by a clinical laboratory in ClinVar; No published segregation evidence has been identified for this variant; Functional evidence for this variant is inconclusive. In vitro functional assays showed formation of mutant protein-DNA complexes were only affected at high salt concentrations (PMID: 9383370); No comparable missense variants have previous evidence for pathogenicity; Missense variant with inconclusive in silico prediction and uninformative conservation; Loss of function is a known mechanism of disease in this gene and is associated with immunodeficiency, common variable, 12 (MIM# 616576); The condition associated with this gene has incomplete penetrance. Penetrance is estimated to be 60%, with some carriers appearing asymptomatic (PMID: 29477724); Variants in this gene are known to have variable expressivity (OMIM); Inheritance information for this variant is not currently available in this individual.

Labcorp Genetics (formerly Invitae), Labcorp
Classification: Uncertain significance. Last evaluated: 2022-07-19. Review status: criteria provided, single submitter. Criteria: Invitae Variant Classification Sherloc (09022015). Collection method: clinical testing. Allele origin: germline.
Comment: This variant is not present in population databases (gnomAD no frequency). In summary, the available evidence is currently insufficient to determine the role of this variant in disease. Therefore, it has been classified as a Variant of Uncertain Significance. Algorithms developed to predict the effect of sequence changes on RNA splicing suggest that this variant may disrupt the consensus splice site. Algorithms developed to predict the effect of missense changes on protein structure and function are either unavailable or do not agree on the potential impact of this missense change (SIFT: "Deleterious"; PolyPhen-2: "Benign"; Align-GVGD: "Class C0"). ClinVar contains an entry for this variant (Variation ID: 1360863). This variant has not been reported in the literature in individuals affected with NFKB1-related conditions. This sequence change replaces lysine, which is basic and polar, with arginine, which is basic and polar, at codon 244 of the NFKB1 protein (p.Lys244Arg).

Literature cited by the submitters: PubMed 9383370 (cited by Victorian Clinical Genetics Services, Murdoch Childrens Research Institute); PubMed 29477724 (cited by Victorian Clinical Genetics Services, Murdoch Childrens Research Institute).

NM_003998.4(NFKB1):c.731A>G (p.Lys244Arg)

Gene: NFKB1 (nuclear factor kappa B subunit 1; plus strand). Cytogenetic location: 4q24.
Variant type: single nucleotide variant.
Coding change: c.731A>G on transcript NM_003998.4 (MANE Select); coding-DNA position 731, A replaced by G.
Protein change: p.Lys244Arg; replaces lysine 244 with arginine.
Molecular consequence: missense variant.
Genome position (GRCh38, 1-based): chr4:102,580,535, A>G. VCF-style: chr4-102580535-A-G. GRCh37 (hg19) VCF-style: chr4-103501692-A-G.
Other names: c.728A>G, p.Lys243Arg (NM_001165412.2, NM_001319226.2, NM_001382627.1); c.731A>G, p.Lys244Arg (NM_001382625.1, NM_001382626.1); c.689A>G, p.Lys230Arg (NM_001382628.1); short protein forms K244R, K230R, K243R.
Identifiers: ClinVar variation 1360863 (VCV001360863.12), dbSNP rs2149187183, ClinGen allele CA357959912.
Genomic context (GRCh38, chr4:102,580,535, plus strand): 5'-GGACTGGCTTGTTGAGCTGAGGATTAATCATGTTATTTGTTGTTTTTCCCCTGTGAACAG[A>G]AGCCCCCAATGCATCCAACTTGAAAATTGTAAGAATGGACAGGACAGCTGGATGTGTGAC-3'
Protein context (NP_003989.2, residues 234-254): PVVSDAIYDS[Lys244Arg]APNASNLKIV